The following is an entry in ClinVar:

ClinVar aggregate classification (germline): Uncertain significance. Review status: criteria provided, multiple submitters, no conflicts (2 of 4 stars). 4 submissions from 4 submitters: Uncertain significance (4). Last evaluated 2026-03-06.

Conditions:
Autoinflammatory syndrome. Identifiers: Orphanet 93665, MedGen C3890737, MONDO:0019751.
Chédiak-Higashi syndrome (CHS). Also called: Chediak-Higashi Syndrome. Identifiers: Orphanet 167, MedGen C0007965, MONDO:0008963, OMIM 214500.

Allele frequency attached by ClinVar (database versions not stated): ExAC 0.00004; gnomAD exomes 0.00007 and 0.00015; ESP Exome Variant Server 0.00008; TOPMed 0.00014; gnomAD 0.00017 and 0.00019.
gnomAD v4.1: 247 of 1,607,234 alleles (0.015%); highest among the groups gnomAD compares: Non-Finnish European, 0.02%; 1 homozygote.

Submissions (4):

Women's Health and Genetics/Laboratory Corporation of America, LabCorp
Classification: Uncertain significance. Last evaluated: 2026-03-06. Review status: criteria provided, single submitter. Criteria: LabCorp Variant Classification Summary - May 2015. Collection method: clinical testing. Allele origin: germline.
Comment: Variant summary: LYST c.5033T>C (p.Val1678Ala) results in a non-conservative amino acid change in the encoded protein sequence. Algorithms developed to predict the effect of missense changes on protein structure and function are either unavailable or do not agree on the potential impact of this missense change. The variant allele was found at a frequency of 0.00015 in 1607234 control chromosomes in the gnomAD database, including 1 homozygote. This frequency is not significantly higher than estimated for disease-causing variants in LYST, allowing no conclusion about variant significance. To our knowledge, no occurrence of c.5033T>C in individuals affected with LYST-related conditions and no experimental evidence demonstrating its impact on protein function have been reported. The following publication has been ascertained in the context of this evaluation (PMID: 28337550). ClinVar contains an entry for this variant (Variation ID: 454486). Based on the evidence outlined above, the variant was classified as uncertain significance.

Mayo Clinic Laboratories, Mayo Clinic
Classification: Uncertain significance. Last evaluated: 2025-09-10. Review status: criteria provided, single submitter. Criteria: ACMG Guidelines, 2015. Collection method: clinical testing. Allele origin: germline. Observed: 2 variant alleles.
Comment: BP4

Labcorp Genetics (formerly Invitae), Labcorp
Classification: Uncertain significance for Chédiak-Higashi syndrome. Last evaluated: 2022-10-24. Review status: criteria provided, single submitter. Criteria: Invitae Variant Classification Sherloc (09022015). Collection method: clinical testing. Allele origin: germline.
Comment: This sequence change replaces valine, which is neutral and non-polar, with alanine, which is neutral and non-polar, at codon 1678 of the LYST protein (p.Val1678Ala). This variant is present in population databases (rs151337641, gnomAD 0.02%). This variant has not been reported in the literature in individuals affected with LYST-related conditions. ClinVar contains an entry for this variant (Variation ID: 454486). Advanced modeling of protein sequence and biophysical properties (such as structural, functional, and spatial information, amino acid conservation, physicochemical variation, residue mobility, and thermodynamic stability) performed at Invitae indicates that this missense variant is not expected to disrupt LYST protein function. In summary, the available evidence is currently insufficient to determine the role of this variant in disease. Therefore, it has been classified as a Variant of Uncertain Significance.

Genome Diagnostics Laboratory, The Hospital for Sick Children
Classification: Uncertain significance for Autoinflammatory syndrome. Last evaluated: 2020-06-01. Review status: criteria provided, single submitter. Criteria: ACMG Guidelines, 2015. Collection method: clinical testing. Allele origin: germline. Affected: yes.

Literature cited by the submitters: PubMed 28337550 (cited by Women's Health and Genetics/Laboratory Corporation of America, LabCorp); PubMed 38385952 (cited by Mayo Clinic Laboratories, Mayo Clinic).

NM_000081.4(LYST):c.5033T>C (p.Val1678Ala)

Gene: LYST (lysosomal trafficking regulator; minus strand). Cytogenetic location: 1q42.3.
Variant type: single nucleotide variant.
Coding change: c.5033T>C on transcript NM_000081.4 (MANE Select); coding-DNA position 5033, T replaced by C.
Protein change: p.Val1678Ala; replaces valine 1678 with alanine.
Molecular consequence: missense variant.
Genome position (GRCh38, 1-based): chr1:235,781,046, A>G on the plus strand (T>C on the coding strand, the complement: LYST is on the minus strand). VCF-style: chr1-235781046-A-G. GRCh37 (hg19) VCF-style: chr1-235944346-A-G.
Other names: p.Val1678Ala; c.5033T>C, p.Val1678Ala (NM_001301365.1); short protein forms V1678A.
Identifiers: ClinVar variation 454486 (VCV000454486.13), dbSNP rs151337641, ClinGen allele CA1466701.